The following is an entry in ClinVar:

ClinVar aggregate classification (germline): Uncertain significance. Review status: criteria provided, multiple submitters, no conflicts (2 of 4 stars). 2 submissions from 2 submitters: Uncertain significance (2). Last evaluated 2026-03-24.

Conditions:
Hereditary cancer-predisposing syndrome. Also called: Neoplastic Syndromes, Hereditary; Tumor predisposition; Hereditary Cancer Syndrome; Hereditary neoplastic syndrome. Identifiers: Orphanet 140162, MedGen C0027672, MeSH D009386, MONDO:0015356.
Mitochondrial complex II deficiency, nuclear type 1. Also called: SUCCINATE CoQ REDUCTASE DEFICIENCY. Identifiers: Orphanet 3208, MedGen C5700310, MONDO:0100294, OMIM 252011.
Pheochromocytoma/paraganglioma syndrome 5. Also called: Paragangliomas 5; SDHA-Related Hereditary Paraganglioma-Pheochromocytoma Syndrome. Identifiers: Orphanet 29072, MedGen C3279992, MONDO:0013602, OMIM 614165.

Allele frequency attached by ClinVar (database versions not stated): gnomAD exomes below 0.00001.

Submissions (2):

Ambry Genetics
Classification: Uncertain significance for Hereditary cancer-predisposing syndrome. Last evaluated: 2026-03-24. Review status: criteria provided, single submitter. Criteria: Ambry Variant Classification Scheme 2023. Collection method: clinical testing. Allele origin: germline.
Comment: The p.A655V variant (also known as c.1964C>T), located in coding exon 15 of the SDHA gene, results from a C to T substitution at nucleotide position 1964. The alanine at codon 655 is replaced by valine, an amino acid with similar properties. This amino acid position is well conserved in available vertebrate species. In addition, this alteration is predicted to be tolerated by in silico analysis. Based on the available evidence, the clinical significance of this variant remains unclear.

Labcorp Genetics (formerly Invitae), Labcorp
Classification: Uncertain significance for Pheochromocytoma/paraganglioma syndrome 5; Mitochondrial complex II deficiency, nuclear type 1. Last evaluated: 2024-01-28. Review status: criteria provided, single submitter. Criteria: Invitae Variant Classification Sherloc (09022015). Collection method: clinical testing. Allele origin: germline.
Comment: This sequence change replaces alanine, which is neutral and non-polar, with valine, which is neutral and non-polar, at codon 655 of the SDHA protein (p.Ala655Val). This variant is not present in population databases (gnomAD no frequency). This variant has not been reported in the literature in individuals affected with SDHA-related conditions. Advanced modeling of protein sequence and biophysical properties (such as structural, functional, and spatial information, amino acid conservation, physicochemical variation, residue mobility, and thermodynamic stability) performed at Invitae indicates that this missense variant is not expected to disrupt SDHA protein function with a negative predictive value of 95%. In summary, the available evidence is currently insufficient to determine the role of this variant in disease. Therefore, it has been classified as a Variant of Uncertain Significance.

NM_004168.4(SDHA):c.1964C>T (p.Ala655Val)

Gene: SDHA (succinate dehydrogenase complex flavoprotein subunit A; plus strand). Cytogenetic location: 5p15.33.
Variant type: single nucleotide variant.
Coding change: c.1964C>T on transcript NM_004168.4 (MANE Select); coding-DNA position 1964, C replaced by T.
Protein change: p.Ala655Val; replaces alanine 655 with valine.
Molecular consequence: missense variant.
Genome position (GRCh38, 1-based): chr5:256,389, C>T. VCF-style: chr5-256389-C-T. GRCh37 (hg19) VCF-style: chr5-256504-C-T.
Other names: c.1820C>T, p.Ala607Val (NM_001294332.2); c.1721C>T, p.Ala574Val (NM_001330758.2); c.1964C>T (NM_004168.2); short protein forms A607V, A574V, A655V.
Identifiers: ClinVar variation 2948453 (VCV002948453.4), dbSNP rs2126646014, ClinGen allele CA359003034.
Genomic context (GRCh38, chr5:256,389, plus strand): 5'-TCAAGGTCACTCTGGAATATAGACCCGTGATCGACAAAACTTTGAACGAGGCTGACTGTG[C>T]CACCGTCCCGCCAGCCATTCGCTCCTACTGATGAGACAAGATGTGGTGATGACAGAATCA-3'
Protein context (NP_004159.2, residues 645-664): IDKTLNEADC[Ala655Val]TVPPAIRSY